The following is an entry in ClinVar:

ClinVar aggregate classification (germline): Pathogenic. Review status: criteria provided, multiple submitters, no conflicts (2 of 4 stars). 5 submissions from 5 submitters: Pathogenic (5). Last evaluated 2023-01-12.

Conditions:
Neurofibromatosis, type 1 (NF1). Also called: VON RECKLINGHAUSEN DISEASE; Peripheral type neurofibromatosis; Neurofibromatosis, type I; NEUROFIBROMATOSIS, TYPE I, SOMATIC. Identifiers: Orphanet 636, MedGen C0027831, MONDO:0018975, OMIM 162200. Disease mechanism: loss of function.
NF1-related disorder. Also called: NF1-related condition. Identifiers: MedGen CN379171.

Submissions (5):

Blueprint Genetics
Classification: Pathogenic for NF1-related disorders. Last evaluated: 2023-01-12. Review status: criteria provided, single submitter. Criteria: ACMG Guidelines, 2015. Collection method: clinical testing. Allele origin: germline. Affected: yes. Observed: 2 variant alleles.

Labcorp Genetics (formerly Invitae), Labcorp
Classification: Pathogenic for Neurofibromatosis, type 1. Last evaluated: 2022-12-08. Review status: criteria provided, single submitter. Criteria: Invitae Variant Classification Sherloc (09022015). Collection method: clinical testing. Allele origin: germline.
Comment: For these reasons, this variant has been classified as Pathogenic. Algorithms developed to predict the effect of sequence changes on RNA splicing suggest that this variant may disrupt the consensus splice site. ClinVar contains an entry for this variant (Variation ID: 547647). This premature translational stop signal has been observed in individuals with neurofibromatosis type 1 (PMID: 23913538). This variant is not present in population databases (gnomAD no frequency). This sequence change creates a premature translational stop signal (p.Tyr1524*) in the NF1 gene. It is expected to result in an absent or disrupted protein product. Loss-of-function variants in NF1 are known to be pathogenic (PMID: 10712197, 23913538).

Genome-Nilou Lab
Classification: Pathogenic for Neurofibromatosis, type 1. Last evaluated: 2022-03-15. Review status: criteria provided, single submitter. Criteria: ACMG Guidelines, 2015. Collection method: clinical testing. Allele origin: germline. Affected: no.

GeneDx
Classification: Pathogenic. Last evaluated: 2019-03-27. Review status: criteria provided, single submitter. Criteria: GeneDx Variant Classification (06012015). Collection method: clinical testing. Allele origin: germline. Affected: yes.
Comment: The Y1524X nonsense variant has been reported previously in association with neurofibromatosis type 1 (Sabbagh et al., 2013). This variant is predicted to cause loss of normal protein function either through protein truncation or nonsense-mediated mRNA decay. The variant is not observed in large population cohorts (Lek et al., 2016). We interpret this variant as pathogenic.

Center for Human Genetics, Inc
Classification: Pathogenic for Neurofibromatosis, type 1. Last evaluated: 2016-11-01. Review status: criteria provided, single submitter. Criteria: ACMG Guidelines, 2015. Collection method: clinical testing. Allele origin: germline. Affected: yes.

Literature cited by the submitters: PubMed 23913538 (cited by Labcorp Genetics (formerly Invitae), Labcorp); PubMed 10712197 (cited by Labcorp Genetics (formerly Invitae), Labcorp).

NM_001042492.3(NF1):c.4635C>G (p.Tyr1545Ter)

Gene: NF1 (neurofibromin 1; plus strand). Cytogenetic location: 17q11.2.
Variant type: single nucleotide variant.
Coding change: c.4635C>G on transcript NM_001042492.3 (MANE Select); coding-DNA position 4635, C replaced by G.
Protein change: p.Tyr1545Ter; replaces tyrosine 1545 with a stop codon.
Molecular consequence: nonsense.
Genome position (GRCh38, 1-based): chr17:31,261,768, C>G. VCF-style: chr17-31261768-C-G. GRCh37 (hg19) VCF-style: chr17-29588786-C-G.
Other names: c.4572C>G, p.Tyr1524Ter (NM_000267.4); short protein forms Y1524*, Y1545*.
Identifiers: ClinVar variation 547647 (VCV000547647.10), dbSNP rs754023358, ClinGen allele CA399000303.
Genomic context (GRCh38, chr17:31,261,768, plus strand): 5'-TAGGGATCATAAAGCTGTTGGAAGACGACCTTTTGATAAGATGGCAACACTTCTTGCATA[C>G]CTGGGTCCTCCAGAGCACAAACCTGTGGCAGATACACACTGGTCCAGCCTTAACCTTACC-3'